The following is an entry in ClinVar:

ClinVar aggregate classification (germline): Uncertain significance (1 of 4 stars; one submission).

Conditions:
Hereditary cancer-predisposing syndrome. Also called: Tumor predisposition; Hereditary Cancer Syndrome; Hereditary neoplastic syndrome; Neoplastic Syndromes, Hereditary. Identifiers: Orphanet 140162, MedGen C0027672, MeSH D009386, MONDO:0015356.

Submission:

Ambry Genetics
Classification: Uncertain significance for Hereditary cancer-predisposing syndrome. Last evaluated: 2025-10-30. Review status: criteria provided, single submitter. Criteria: Ambry Variant Classification Scheme 2023. Collection method: clinical testing. Allele origin: germline.
Comment: The c.889_891delCCTinsTCC variant (also known as p.P297S), located in coding exon 7 of the SDHA gene, results from an in-frame deletion of CCT and insertion of TCC at nucleotide positions 889 to 891. This results in the substitution of the proline residue for a serine residue at codon 297, an amino acid with similar properties. This amino acid position is highly conserved in available vertebrate species. In addition, this alteration is predicted to be deleterious by in silico analysis. Based on the available evidence, the clinical significance of this variant remains unclear.

NM_004168.4(SDHA):c.889_891delinsTCC (p.Pro297Ser)

Gene: SDHA (succinate dehydrogenase complex flavoprotein subunit A; plus strand). Cytogenetic location: 5p15.33.
Variant type: Indel.
Coding change: c.889_891delinsTCC on transcript NM_004168.4 (MANE Select); coding-DNA positions 889 to 891, CCT replaced by TCC.
Protein change: p.Pro297Ser; replaces proline 297 with serine.
Molecular consequence: missense variant.
Genome position (GRCh38, 1-based): chr5:230,994-230,996, CCT replaced by TCC. VCF-style: chr5-230994-CCT-TCC. GRCh37 (hg19) VCF-style: chr5-231109-CCT-TCC.
Other names: c.745_747delinsTCC, p.Pro249Ser (NM_001294332.2); c.889_891delinsTCC, p.Pro297Ser (NM_001330758.2); short protein forms P249S, P297S.
Identifiers: ClinVar variation 2587083 (VCV002587083.3), dbSNP rs2477333555, ClinGen allele CA2582341571.